The following is an entry in ClinVar:

NM_014956.5(CEP164):c.3538C>T (p.Arg1180Trp)

Gene: CEP164 (centrosomal protein 164; plus strand). Cytogenetic location: 11q23.3.
Variant type: single nucleotide variant.
Coding change: c.3538C>T on transcript NM_014956.5 (MANE Select); coding-DNA position 3538, C replaced by T.
Protein change: p.Arg1180Trp; replaces arginine 1180 with tryptophan.
Molecular consequence: missense variant.
Genome position (GRCh38, 1-based): chr11:117,407,961, C>T. VCF-style: chr11-117407961-C-T. GRCh37 (hg19) VCF-style: chr11-117278677-C-T.
Other names: c.3547C>T, p.Arg1183Trp (NM_001271933.2); c.3538C>T (NM_014956.4); short protein forms R1180W, R1183W.
Identifiers: ClinVar variation 1006923 (VCV001006923.6), dbSNP rs557730163, ClinGen allele CA6295497.

ClinVar aggregate classification (germline): Uncertain significance. Review status: criteria provided, multiple submitters, no conflicts (2 of 4 stars). 3 submissions from 3 submitters: Uncertain significance (3). Last evaluated 2026-02-02.

Conditions:
CEP164-related disorder. Also called: CEP164-related condition.
Nephronophthisis 15 (NPHP15). Identifiers: Orphanet 3156, MedGen C3541853, MONDO:0013917, OMIM 614845.

Allele frequency attached by ClinVar (database versions not stated): TOPMed 0.00004; gnomAD 0.00005; ExAC 0.00010.
gnomAD v4.1: 68 of 1,600,784 alleles (0.0042%); highest among the groups gnomAD compares: Middle Eastern, 0.13%; no homozygotes.

Submissions (3):

PreventionGenetics, part of Exact Sciences
Classification: Uncertain significance for CEP164-related condition. Last evaluated: 2026-02-02. Review status: criteria provided, single submitter. Criteria: ACMG Guidelines, 2015. Collection method: clinical testing. Allele origin: germline.
Comment: The CEP164 c.3538C>T variant is predicted to result in the amino acid substitution p.Arg1180Trp. To our knowledge, this variant has not been reported in the literature. This variant is reported in 0.0075% of alleles in individuals of European (non-Finnish) descent in gnomAD. At this time, the clinical significance of this variant is uncertain due to the absence of conclusive functional and genetic evidence.

Fulgent Genetics
Classification: Uncertain significance for Nephronophthisis 15. Last evaluated: 2024-01-09. Review status: criteria provided, single submitter. Criteria: ACMG Guidelines, 2015. Collection method: clinical testing. Allele origin: germline.

Labcorp Genetics (formerly Invitae), Labcorp
Classification: Uncertain significance for Nephronophthisis 15. Last evaluated: 2022-08-09. Review status: criteria provided, single submitter. Criteria: Invitae Variant Classification Sherloc (09022015). Collection method: clinical testing. Allele origin: germline.
Comment: This sequence change replaces arginine, which is basic and polar, with tryptophan, which is neutral and slightly polar, at codon 1180 of the CEP164 protein (p.Arg1180Trp). The frequency data for this variant in the population databases is considered unreliable, as metrics indicate poor data quality at this position in the gnomAD database. This variant has not been reported in the literature in individuals affected with CEP164-related conditions. ClinVar contains an entry for this variant (Variation ID: 1006923). Algorithms developed to predict the effect of missense changes on protein structure and function (SIFT, PolyPhen-2, Align-GVGD) all suggest that this variant is likely to be tolerated. In summary, the available evidence is currently insufficient to determine the role of this variant in disease. Therefore, it has been classified as a Variant of Uncertain Significance.